The following is an entry in ClinVar:

NM_005876.5(SPEG):c.1562T>C (p.Leu521Pro)

Gene: SPEG (striated muscle enriched protein kinase; plus strand). Cytogenetic location: 2q35.
Variant type: single nucleotide variant.
Coding change: c.1562T>C on transcript NM_005876.5 (MANE Select); coding-DNA position 1562, T replaced by C.
Protein change: p.Leu521Pro; replaces leucine 521 with proline.
Molecular consequence: missense variant.
Genome position (GRCh38, 1-based): chr2:219,448,720, T>C. VCF-style: chr2-219448720-T-C. GRCh37 (hg19) VCF-style: chr2-220313442-T-C.
Other names: short protein forms L521P.
Identifiers: ClinVar variation 1714303 (VCV001714303.5), dbSNP rs1255559249, ClinGen allele CA350721715.
Genomic context (GRCh38, chr2:219,448,720, plus strand): 5'-TCCGCCGCTCCACGTCGCGGGAGGAGCTGGTGCGCTCGCACGAGTCCCTGCGCGCCACGC[T>C]GCAGCGTGCCCCATCCCCTCGAGAGCCCGGCGAGCCCCCGCTCTTCTCTCGGCCCTCCAC-3'
Protein context (NP_005867.3, residues 511-531): VRSHESLRAT[Leu521Pro]QRAPSPREPG

ClinVar aggregate classification (germline): Uncertain significance (1 of 4 stars; one submission).

Allele frequency attached by ClinVar (database versions not stated): gnomAD exomes below 0.00001.
gnomAD v4.1: 3 of 1,492,678 alleles (0.0002%); highest among the groups gnomAD compares: South Asian, 0.0038%; no homozygotes.

Submission:

Labcorp Genetics (formerly Invitae), Labcorp
Classification: Uncertain significance. Last evaluated: 2022-07-30. Review status: criteria provided, single submitter. Criteria: Invitae Variant Classification Sherloc (09022015). Collection method: clinical testing. Allele origin: germline.
Comment: This sequence change replaces leucine, which is neutral and non-polar, with proline, which is neutral and non-polar, at codon 521 of the SPEG protein (p.Leu521Pro). The frequency data for this variant in the population databases is considered unreliable, as metrics indicate poor data quality at this position in the gnomAD database. This variant has not been reported in the literature in individuals affected with SPEG-related conditions. Algorithms developed to predict the effect of missense changes on protein structure and function are either unavailable or do not agree on the potential impact of this missense change (SIFT: "Deleterious"; PolyPhen-2: "Probably Damaging"; Align-GVGD: "Class C0"). In summary, the available evidence is currently insufficient to determine the role of this variant in disease. Therefore, it has been classified as a Variant of Uncertain Significance.